The following is an entry in ClinVar:

NM_000368.5(TSC1):c.542A>T (p.His181Leu)

Gene: TSC1 (TSC complex subunit 1; minus strand). Cytogenetic location: 9q34.13.
Variant type: single nucleotide variant.
Coding change: c.542A>T on transcript NM_000368.5 (MANE Select); coding-DNA position 542, A replaced by T.
Protein change: p.His181Leu; replaces histidine 181 with leucine.
Molecular consequence: missense variant.
Genome position (GRCh38, 1-based): chr9:132,921,940, T>A on the plus strand (A>T on the coding strand, the complement: TSC1 is on the minus strand). VCF-style: chr9-132921940-T-A. GRCh37 (hg19) VCF-style: chr9-135797327-T-A.
Other names: c.542A>T, p.His181Leu (NM_001162426.2); c.389A>T, p.His130Leu (NM_001162427.2); c.179A>T, p.His60Leu (NM_001362177.2); c.542A>T (NM_000368.4); short protein forms H130L, H181L, H60L.
Identifiers: ClinVar variation 1026309 (VCV001026309.14), dbSNP rs397515294, ClinGen allele CA038056.

ClinVar aggregate classification (germline): Conflicting classifications of pathogenicity. Review status: criteria provided, conflicting classifications (1 of 4 stars). 4 submissions from 4 submitters: Uncertain significance (3); Benign (1). Last evaluated 2025-10-29.

Conditions:
Tuberous sclerosis 1 (TSC1). Identifiers: Orphanet 805, MedGen C1854465, MONDO:0008612, OMIM 191100.
Hereditary cancer-predisposing syndrome. Also called: Hereditary neoplastic syndrome; Neoplastic Syndromes, Hereditary; Tumor predisposition; Hereditary Cancer Syndrome. Identifiers: Orphanet 140162, MedGen C0027672, MeSH D009386, MONDO:0015356.
Tuberous sclerosis syndrome (TSC). Also called: Tuberous Sclerosis Complex; Tuberous sclerosis. Identifiers: Orphanet 805, MedGen C0041341, MONDO:0001734.

Allele frequency attached by ClinVar (database versions not stated): TOPMed 0.00001; gnomAD 0.00002; ESP Exome Variant Server 0.00008.
gnomAD v4.1: 4 of 1,614,004 alleles (0.00025%); highest among the groups gnomAD compares: African/African-American, 0.0053%; no homozygotes.

Submissions (4):

Ambry Genetics
Classification: Uncertain significance for Hereditary cancer-predisposing syndrome. Last evaluated: 2025-10-29. Review status: criteria provided, single submitter. Criteria: Ambry Variant Classification Scheme 2023. Collection method: clinical testing. Allele origin: germline.
Comment: The p.H181L variant (also known as c.542A>T), located in coding exon 5 of the TSC1 gene, results from an A to T substitution at nucleotide position 542. The histidine at codon 181 is replaced by leucine, an amino acid with similar properties. This amino acid position is conserved. In addition, this alteration is predicted to be deleterious by in silico analysis. Since supporting evidence is limited at this time, the clinical significance of this alteration remains unclear.

Color Diagnostics, LLC DBA Color Health
Classification: Uncertain significance for Tuberous sclerosis syndrome. Last evaluated: 2025-09-11. Review status: criteria provided, single submitter. Criteria: ACMG Guidelines, 2015. Collection method: clinical testing. Allele origin: germline.
Comment: This missense variant replaces histidine with leucine at codon 181 of the TSC1 protein. Computational prediction suggests that this variant may have deleterious impact on protein structure and function. To our knowledge, functional studies have not been reported for this variant. This variant has not been reported in individuals affected with TSC1-related disorders in the literature. This variant has been identified in 2/282822 chromosomes in the general population by the Genome Aggregation Database (gnomAD). The available evidence is insufficient to determine the role of this variant in disease conclusively. Therefore, this variant is classified as a Variant of Uncertain Significance.

Labcorp Genetics (formerly Invitae), Labcorp
Classification: Benign for Tuberous sclerosis 1. Last evaluated: 2025-03-07. Review status: criteria provided, single submitter. Criteria: Invitae Variant Classification Sherloc (09022015). Collection method: clinical testing. Allele origin: germline.

GeneDx
Classification: Uncertain significance. Last evaluated: 2022-11-30. Review status: criteria provided, single submitter. Criteria: GeneDx Variant Classification Process June 2021. Collection method: clinical testing. Allele origin: germline. Affected: yes.
Comment: In silico analysis supports that this missense variant has a deleterious effect on protein structure/function; Has not been previously published as pathogenic or benign to our knowledge; This variant is associated with the following publications: (PMID: 23389244)